The following is an entry in ClinVar:

ClinVar aggregate classification (germline): Likely benign (0 of 4 stars; one submission).

Conditions:
CENPJ-related disorder. Also called: CENPJ-related disorders; CENPJ-related condition.

Allele frequency attached by ClinVar (database versions not stated): gnomAD exomes below 0.00001; ExAC 0.00001; TOPMed 0.00001.
gnomAD v4.1: 4 of 1,614,050 alleles (0.00025%); highest among the groups gnomAD compares: South Asian, 0.0011%; no homozygotes.

Submission:

PreventionGenetics, part of Exact Sciences
Classification: Likely benign for CENPJ-related condition. Last evaluated: 2021-07-19. Review status: no assertion criteria provided. Collection method: clinical testing. Allele origin: germline.
Comment: This variant is classified as likely benign based on ACMG/AMP sequence variant interpretation guidelines (Richards et al. 2015 PMID: 25741868, with internal and published modifications).

NM_018451.5(CPAP):c.3561C>G (p.Thr1187=)

Genes: CPAP (centrosome assembly and centriole elongation protein; minus strand), RNF17 (ring finger protein 17; plus strand). Cytogenetic location: 13q12.12.
Variant type: single nucleotide variant.
Coding change: c.3561C>G on transcript NM_018451.5 (MANE Select); coding-DNA position 3561, C replaced by G.
Protein change: p.Thr1187=; no amino-acid change (threonine 1187 retained).
Molecular consequence: synonymous variant. On other transcripts: non-coding transcript variant (2).
Genome position (GRCh38, 1-based): chr13:24,884,380, G>C on the plus strand (C>G on the coding strand, the complement: CPAP is on the minus strand). VCF-style: chr13-24884380-G-C. GRCh37 (hg19) VCF-style: chr13-25458518-G-C.
Identifiers: ClinVar variation 3057596 (VCV003057596.2), dbSNP rs771271225, ClinGen allele CA6919235.